The following is an entry in ClinVar:

ClinVar aggregate classification (germline): Uncertain significance. Review status: criteria provided, multiple submitters, no conflicts (2 of 4 stars). 2 submissions from 2 submitters: Uncertain significance (2). Last evaluated 2025-11-12.

Conditions:
Alpha thalassemia-X-linked intellectual disability syndrome (ATRX). Also called: ALPHA-THALASSEMIA/MENTAL RETARDATION SYNDROME, X-LINKED; ATR, NONDELETION TYPE; ATR-X syndrome; Alpha thalassemia mental retardation syndrome, nondeletion type, X-linked; XLMR hypotonic face syndrome; X-linked alpha-thalassemia-mental retardation syndrome. Identifiers: Orphanet 847, MedGen C1845055, MONDO:0010519, OMIM 301040.

gnomAD v4.1: 3 of 1,208,084 alleles (0.00025%); highest among the groups gnomAD compares: Non-Finnish European, 0.00034%; no homozygotes.

Submissions (2):

Labcorp Genetics (formerly Invitae), Labcorp
Classification: Uncertain significance for Alpha thalassemia-X-linked intellectual disability syndrome. Last evaluated: 2025-11-12. Review status: criteria provided, single submitter. Criteria: Invitae Variant Classification Sherloc (09022015). Collection method: clinical testing. Allele origin: germline.
Comment: This sequence change replaces glycine, which is neutral and non-polar, with alanine, which is neutral and non-polar, at codon 1219 of the ATRX protein (p.Gly1219Ala). This variant is not present in population databases (gnomAD no frequency). This variant has not been reported in the literature in individuals affected with ATRX-related conditions. Invitae Evidence Modeling of protein sequence and biophysical properties (such as structural, functional, and spatial information, amino acid conservation, physicochemical variation, residue mobility, and thermodynamic stability) indicates that this missense variant is not expected to disrupt ATRX protein function with a negative predictive value of 95%. In summary, the available evidence is currently insufficient to determine the role of this variant in disease. Therefore, it has been classified as a Variant of Uncertain Significance.

Women's Health and Genetics/Laboratory Corporation of America, LabCorp
Classification: Uncertain significance. Last evaluated: 2025-10-13. Review status: criteria provided, single submitter. Criteria: LabCorp Variant Classification Summary - May 2015. Collection method: clinical testing. Allele origin: germline.
Comment: Variant summary: ATRX c.3656G>C (p.Gly1219Ala) results in a non-conservative amino acid change in the encoded protein sequence. Algorithms developed to predict the effect of missense changes on protein structure and function all suggest that this variant is likely to be disruptive. The variant was absent in 179029 control chromosomes. The available data on variant occurrences in the general population are insufficient to allow any conclusion about variant significance. To our knowledge, no occurrence of c.3656G>C in individuals affected with ATRX-related conditions and no experimental evidence demonstrating its impact on protein function have been reported. No submitters have cited clinical-significance assessments for this variant to ClinVar. Based on the evidence outlined above, the variant was classified as uncertain significance.

NM_000489.6(ATRX):c.3656G>C (p.Gly1219Ala)

Gene: ATRX (ATRX chromatin remodeler; minus strand). Cytogenetic location: Xq21.1.
Variant type: single nucleotide variant.
Coding change: c.3656G>C on transcript NM_000489.6 (MANE Select); coding-DNA position 3656, G replaced by C.
Protein change: p.Gly1219Ala; replaces glycine 1219 with alanine.
Molecular consequence: missense variant.
Genome position (GRCh38, 1-based): chrX:77,681,600, C>G on the plus strand (G>C on the coding strand, the complement: ATRX is on the minus strand). VCF-style: chrX-77681600-C-G. GRCh37 (hg19) VCF-style: chrX-76937092-C-G.
Other names: c.3542G>C, p.Gly1181Ala (NM_138270.5); short protein forms G1181A, G1219A.
Identifiers: ClinVar variation 4687345 (VCV004687345.2).